The following is an entry in ClinVar:

ClinVar aggregate classification (germline): Uncertain significance (1 of 4 stars; one submission).

Conditions:
Cardiovascular phenotype. Identifiers: MedGen CN230736.

Allele frequency attached by ClinVar (database versions not stated): gnomAD exomes 0.00001.
gnomAD v4.1: 5 of 1,613,800 alleles (0.00031%); highest among the groups gnomAD compares: Non-Finnish European, 0.00034%; no homozygotes.

Submission:

Ambry Genetics
Classification: Uncertain significance for Cardiovascular phenotype. Last evaluated: 2023-01-23. Review status: criteria provided, single submitter. Criteria: Ambry Variant Classification Scheme 2023. Collection method: clinical testing. Allele origin: germline.
Comment: The p.T1426A variant (also known as c.4276A>G), located in coding exon 10 of the TNXB gene, results from an A to G substitution at nucleotide position 4276. The threonine at codon 1426 is replaced by alanine, an amino acid with similar properties. This amino acid position is conserved. In addition, this alteration is predicted to be tolerated by in silico analysis. Since supporting evidence is limited at this time, the clinical significance of this alteration remains unclear.

NM_001365276.2(TNXB):c.4276A>G (p.Thr1426Ala)

Gene: TNXB (tenascin XB; minus strand). Cytogenetic location: 6p21.33.
Variant type: single nucleotide variant.
Coding change: c.4276A>G on transcript NM_001365276.2 (MANE Select); coding-DNA position 4276, A replaced by G.
Protein change: p.Thr1426Ala; replaces threonine 1426 with alanine.
Molecular consequence: missense variant.
Genome position (GRCh38, 1-based): chr6:32,079,132, T>C on the plus strand (A>G on the coding strand, the complement: TNXB is on the minus strand). VCF-style: chr6-32079132-T-C. GRCh37 (hg19) VCF-style: chr6-32046909-T-C.
Other names: c.4276A>G, p.Thr1426Ala (NM_019105.8); short protein forms T1426A.
Identifiers: ClinVar variation 2451166 (VCV002451166.2), dbSNP rs1779285328, ClinGen allele CA363428254.
Genomic context (GRCh38, chr6:32,079,132, plus strand): 5'-CCTCGTGGAGGCCGTACAGGTGCATCTTGTACTTGTGCCCGGGCTCTAGGCCTCCCACGG[T>C]GACCTCACTCTCCTTGCCCCCAACACGCACCGCCCGGGGCCGCCCATCCCTGTCCTTGTA-3'
Protein context (NP_001352205.1, residues 1416-1436): VRVGGKESEV[Thr1426Ala]VGGLEPGHKY